The following is an entry in ClinVar:

ClinVar aggregate classification (germline): Uncertain significance (1 of 4 stars; one submission).

Conditions:
Inborn genetic diseases. Identifiers: MedGen C0950123, MeSH D030342.

Submission:

Ambry Genetics
Classification: Uncertain significance for Inborn genetic diseases. Last evaluated: 2024-05-04. Review status: criteria provided, single submitter. Criteria: Ambry Variant Classification Scheme 2023. Collection method: clinical testing. Allele origin: germline.
Comment: The p.R1538P variant (also known as c.4613G>C), located in coding exon 32 of the LRRK2 gene, results from a G to C substitution at nucleotide position 4613. The arginine at codon 1538 is replaced by proline, an amino acid with dissimilar properties. This amino acid position is conserved. In addition, this alteration is predicted to be deleterious by in silico analysis. Based on the available evidence, the clinical significance of this variant remains unclear.

NM_198578.4(LRRK2):c.4613G>C (p.Arg1538Pro)

Gene: LRRK2 (leucine rich repeat kinase 2; plus strand). Cytogenetic location: 12q12.
Variant type: single nucleotide variant.
Coding change: c.4613G>C on transcript NM_198578.4 (MANE Select); coding-DNA position 4613, G replaced by C.
Protein change: p.Arg1538Pro; replaces arginine 1538 with proline.
Molecular consequence: missense variant.
Genome position (GRCh38, 1-based): chr12:40,314,048, G>C. VCF-style: chr12-40314048-G-C. GRCh37 (hg19) VCF-style: chr12-40707850-G-C.
Other names: short protein forms R1538P.
Identifiers: ClinVar variation 3291990 (VCV003291990.1).